The following is an entry in ClinVar:

ClinVar aggregate classification (germline): Uncertain significance. Review status: criteria provided, multiple submitters, no conflicts (2 of 4 stars). 3 submissions from 3 submitters: Uncertain significance (3). Last evaluated 2025-09-21.

Conditions:
Cystic fibrosis (CF). Also called: MUCOVISCIDOSIS. Identifiers: Orphanet 586, MedGen C0010674, MONDO:0009061, OMIM 219700. Disease mechanism: loss of function.

Allele frequency attached by ClinVar (database versions not stated): gnomAD exomes below 0.00001.
gnomAD v4.1: 1 of 1,359,988 alleles (0.000074%); highest among the groups gnomAD compares: Non-Finnish European, 0.00011%; no homozygotes.

Submissions (3):

Women's Health and Genetics/Laboratory Corporation of America, LabCorp
Classification: Uncertain significance. Last evaluated: 2025-09-21. Review status: criteria provided, single submitter. Criteria: LabCorp Variant Classification Summary - May 2015. Collection method: clinical testing. Allele origin: germline.

Ambry Genetics
Classification: Uncertain significance for Cystic fibrosis. Last evaluated: 2021-11-29. Review status: criteria provided, single submitter. Criteria: Ambry Variant Classification Scheme 2023. Collection method: clinical testing. Allele origin: germline.
Comment: The c.164+5G>C intronic variant results from a G to C substitution 5 nucleotides after coding exon 2 in the CFTR gene. This nucleotide position is well conserved in available vertebrate species. In silico splice site analysis for this alteration is inconclusive. Since supporting evidence is limited at this time, the clinical significance of this alteration remains unclear.

Mayo Clinic Laboratories, Mayo Clinic
Classification: Uncertain significance. Last evaluated: 2019-12-30. Review status: criteria provided, single submitter. Criteria: ACMG Guidelines, 2015. Collection method: clinical testing. Allele origin: germline. Observed: 1 variant allele.

NM_000492.4(CFTR):c.164+5G>C

Gene: CFTR (CF transmembrane conductance regulator; plus strand). Cytogenetic location: 7q31.2.
Variant type: single nucleotide variant.
Coding change: c.164+5G>C on transcript NM_000492.4 (MANE Select); 5 bases into the intron after coding-DNA position 164, G replaced by C.
Molecular consequence: intron variant.
Genome position (GRCh38, 1-based): chr7:117,504,368, G>C. VCF-style: chr7-117504368-G-C. GRCh37 (hg19) VCF-style: chr7-117144422-G-C.
Identifiers: ClinVar variation 1163471 (VCV001163471.8), dbSNP rs2116635341, ClinGen allele CA2499218678.